The following is an entry in ClinVar:

NM_017999.5(RNF31):c.2987G>T (p.Gly996Val)

Gene: RNF31 (ring finger protein 31; plus strand). Cytogenetic location: 14q12.
Variant type: single nucleotide variant.
Coding change: c.2987G>T on transcript NM_017999.5 (MANE Select); coding-DNA position 2987, G replaced by T.
Protein change: p.Gly996Val; replaces glycine 996 with valine.
Molecular consequence: missense variant.
Genome position (GRCh38, 1-based): chr14:24,159,951, G>T. VCF-style: chr14-24159951-G-T. GRCh37 (hg19) VCF-style: chr14-24629160-G-T.
Other names: c.2534G>T, p.Gly845Val (NM_001310332.2); short protein forms G845V, G996V.
Identifiers: ClinVar variation 1394903 (VCV001394903.6), dbSNP rs773161847, ClinGen allele CA389194982.
Genomic context (GRCh38, chr14:24,159,951, plus strand): 5'-AGGTTCCCAATGGGCTCAGGGACGAAGCTTGTGGCAAGGAAACTCCAGCTGGCTATGCCG[G>T]CCTGTGCCAGTGAGTGCCAGCAGGACATGGGCATGGTGTTGGGCAGTGGGTAGAAGTGGT-3'
Protein context (NP_060469.4, residues 986-1006): CGKETPAGYA[Gly996Val]LCQAHYKEYL

ClinVar aggregate classification (germline): Uncertain significance (1 of 4 stars; one submission).

Submission:

Labcorp Genetics (formerly Invitae), Labcorp
Classification: Uncertain significance. Last evaluated: 2021-11-24. Review status: criteria provided, single submitter. Criteria: Invitae Variant Classification Sherloc (09022015). Collection method: clinical testing. Allele origin: germline.
Comment: In summary, the available evidence is currently insufficient to determine the role of this variant in disease. Therefore, it has been classified as a Variant of Uncertain Significance. Algorithms developed to predict the effect of missense changes on protein structure and function are either unavailable or do not agree on the potential impact of this missense change (SIFT: "Deleterious"; PolyPhen-2: "Probably Damaging"; Align-GVGD: "Class C0"). This variant has not been reported in the literature in individuals affected with RNF31-related conditions. This variant is not present in population databases (gnomAD no frequency). This sequence change replaces glycine, which is neutral and non-polar, with valine, which is neutral and non-polar, at codon 996 of the RNF31 protein (p.Gly996Val).